The following is an entry in ClinVar:

ClinVar aggregate classification (germline): Uncertain significance (1 of 4 stars; one submission).

Conditions:
Curry-Hall syndrome (WAD). Also called: WEYERS ACRODENTAL DYSOSTOSIS. Identifiers: Orphanet 952, MedGen C0457013, MONDO:0008673, OMIM 193530.
Ellis-van Creveld syndrome (EVC). Also called: EVC2-Related Ellis-van Creveld Syndrome; EVC-Related Ellis-van Creveld Syndrome; Chondroectodermal dysplasia; MESOECTODERMAL DYSPLASIA. Identifiers: Orphanet 289, MedGen C0013903, MONDO:0009162, OMIM 225500.

Allele frequency attached by ClinVar (database versions not stated): gnomAD 0.00003; gnomAD exomes 0.00003; TOPMed 0.00003; ExAC 0.00007; 1000 Genomes Project 30x 0.00016; 1000 Genomes Project 0.00020.

Submission:

Labcorp Genetics (formerly Invitae), Labcorp
Classification: Uncertain significance for Curry-Hall syndrome; Ellis-van Creveld syndrome. Last evaluated: 2022-06-28. Review status: criteria provided, single submitter. Criteria: Invitae Variant Classification Sherloc (09022015). Collection method: clinical testing. Allele origin: germline.
Comment: This sequence change replaces alanine, which is neutral and non-polar, with threonine, which is neutral and polar, at codon 844 of the EVC protein (p.Ala844Thr). This variant is present in population databases (rs541895869, gnomAD 0.04%). This variant has not been reported in the literature in individuals affected with EVC-related conditions. Algorithms developed to predict the effect of missense changes on protein structure and function output the following: SIFT: "Tolerated"; PolyPhen-2: "Benign"; Align-GVGD: "Class C0". The threonine amino acid residue is found in multiple mammalian species, which suggests that this missense change does not adversely affect protein function. In summary, the available evidence is currently insufficient to determine the role of this variant in disease. Therefore, it has been classified as a Variant of Uncertain Significance.

NM_153717.3(EVC):c.2530G>A (p.Ala844Thr)

Gene: EVC (EvC ciliary complex subunit 1; plus strand). Cytogenetic location: 4p16.2.
Variant type: single nucleotide variant.
Coding change: c.2530G>A on transcript NM_153717.3 (MANE Select); coding-DNA position 2530, G replaced by A.
Protein change: p.Ala844Thr; replaces alanine 844 with threonine.
Molecular consequence: missense variant.
Genome position (GRCh38, 1-based): chr4:5,804,810, G>A. VCF-style: chr4-5804810-G-A. GRCh37 (hg19) VCF-style: chr4-5806537-G-A.
Other names: c.2530G>A, p.Ala844Thr (NM_001306090.2); short protein forms A844T.
Identifiers: ClinVar variation 2079009 (VCV002079009.1), dbSNP rs541895869, ClinGen allele CA2836560.